The following is an entry in ClinVar:

NM_004168.4(SDHA):c.65G>A (p.Trp22Ter)

Gene: SDHA (succinate dehydrogenase complex flavoprotein subunit A; plus strand). Cytogenetic location: 5p15.33.
Variant type: single nucleotide variant.
Coding change: c.65G>A on transcript NM_004168.4 (MANE Select); coding-DNA position 65, G replaced by A.
Protein change: p.Trp22Ter; replaces tryptophan 22 with a stop codon.
Molecular consequence: nonsense.
Genome position (GRCh38, 1-based): chr5:223,483, G>A. VCF-style: chr5-223483-G-A. GRCh37 (hg19) VCF-style: chr5-223598-G-A.
Other names: c.65G>A, p.Trp22Ter (NM_001294332.2, NM_001330758.2); short protein forms W22*.
Identifiers: ClinVar variation 1456663 (VCV001456663.6), dbSNP rs2126539382, ClinGen allele CA359008061.

ClinVar aggregate classification (germline): Pathogenic (1 of 4 stars; one submission).

Conditions:
Mitochondrial complex II deficiency, nuclear type 1. Also called: SUCCINATE CoQ REDUCTASE DEFICIENCY. Identifiers: Orphanet 3208, MedGen C5700310, MONDO:0100294, OMIM 252011.
Pheochromocytoma/paraganglioma syndrome 5. Also called: Paragangliomas 5; SDHA-Related Hereditary Paraganglioma-Pheochromocytoma Syndrome. Identifiers: Orphanet 29072, MedGen C3279992, MONDO:0013602, OMIM 614165.

Submission:

Labcorp Genetics (formerly Invitae), Labcorp
Classification: Pathogenic for Pheochromocytoma/paraganglioma syndrome 5; Mitochondrial complex II deficiency, nuclear type 1. Last evaluated: 2020-11-14. Review status: criteria provided, single submitter. Criteria: Invitae Variant Classification Sherloc (09022015). Collection method: clinical testing. Allele origin: germline.
Comment: This sequence change creates a premature translational stop signal (p.Trp22*) in the SDHA gene. It is expected to result in an absent or disrupted protein product. Loss-of-function variants in SDHA are known to be pathogenic (PMID: 22974104, 24781757). This variant is not present in population databases (ExAC no frequency). This variant has not been reported in the literature in individuals with SDHA-related conditions. Algorithms developed to predict the effect of sequence changes on RNA splicing suggest that this variant may create or strengthen a splice site, but this prediction has not been confirmed by published transcriptional studies. For these reasons, this variant has been classified as Pathogenic.

Literature cited by the submitters: PubMed 22974104; PubMed 24781757.